The following is an entry in ClinVar:

ClinVar aggregate classification (germline): Uncertain significance (1 of 4 stars; one submission).

Conditions:
Tuberous sclerosis 1 (TSC1). Identifiers: Orphanet 805, MedGen C1854465, MONDO:0008612, OMIM 191100.

Submission:

Labcorp Genetics (formerly Invitae), Labcorp
Classification: Uncertain significance for Tuberous sclerosis 1. Last evaluated: 2025-07-30. Review status: criteria provided, single submitter. Criteria: Invitae Variant Classification Sherloc (09022015). Collection method: clinical testing. Allele origin: germline.
Comment: This sequence change replaces aspartic acid, which is acidic and polar, with glycine, which is neutral and non-polar, at codon 638 of the TSC1 protein (p.Asp638Gly). This variant is not present in population databases (gnomAD no frequency). This variant has not been reported in the literature in individuals affected with TSC1-related conditions. ClinVar contains an entry for this variant (Variation ID: 3641132). Invitae Evidence Modeling of protein sequence and biophysical properties (such as structural, functional, and spatial information, amino acid conservation, physicochemical variation, residue mobility, and thermodynamic stability) indicates that this missense variant is not expected to disrupt TSC1 protein function with a negative predictive value of 95%. In summary, the available evidence is currently insufficient to determine the role of this variant in disease. Therefore, it has been classified as a Variant of Uncertain Significance.

NM_000368.5(TSC1):c.1913A>G (p.Asp638Gly)

Gene: TSC1 (TSC complex subunit 1; minus strand). Cytogenetic location: 9q34.13.
Variant type: single nucleotide variant.
Coding change: c.1913A>G on transcript NM_000368.5 (MANE Select); coding-DNA position 1913, A replaced by G.
Protein change: p.Asp638Gly; replaces aspartic acid 638 with glycine.
Molecular consequence: missense variant. On other transcripts: non-coding transcript variant (5).
Genome position (GRCh38, 1-based): chr9:132,905,665, T>C on the plus strand (A>G on the coding strand, the complement: TSC1 is on the minus strand). VCF-style: chr9-132905665-T-C. GRCh37 (hg19) VCF-style: chr9-135781052-T-C.
Other names: c.959A>G, p.Asp320Gly (NM_001406627.1, NM_001406628.1); c.860A>G, p.Asp287Gly (NM_001406629.1, NM_001406630.1); c.1913A>G, p.Asp638Gly (NM_001406593.1, NM_001406594.1, NM_001406595.1 and 7 more transcripts); c.1910A>G, p.Asp637Gly (NM_001406597.1, NM_001406598.1, NM_001406599.1 and 6 more transcripts); c.1760A>G, p.Asp587Gly (NM_001162427.2, NM_001406610.1); c.1550A>G, p.Asp517Gly (NM_001362177.2, NM_001406614.1, NM_001406615.1 and 5 more transcripts); c.1757A>G, p.Asp586Gly (NM_001406612.1, NM_001406613.1, NM_001406611.1); c.1547A>G, p.Asp516Gly (NM_001406620.1, NM_001406621.1, NM_001406622.1 and 2 more transcripts); and 1 more; short protein forms D320G, D516G, D637G, D638G, D287G, D586G, D517G, D587G.
Identifiers: ClinVar variation 3641132 (VCV003641132.2).